The following is an entry in ClinVar:

ClinVar aggregate classification (germline): Uncertain significance (1 of 4 stars; one submission).

Submission:

Laboratory for Molecular Medicine, Mass General Brigham Personalized Medicine
Classification: Uncertain significance. Last evaluated: 2013-05-08. Review status: criteria provided, single submitter. Criteria: LMM Criteria. Collection method: clinical testing. Allele origin: germline. Observed: 1 variant allele.
Comment: Variant classified as Uncertain Significance - Favor Pathogenic. The Glu98Val va riant in MYH7 has not been reported in individuals with cardiomyopathy or in lar ge population studies. Glutamic acid (Glu) at position 98 is highly conserved in mammals and across evolutionarily distant species and the change to valine (Val ) was predicted to be pathogenic using a computational tool clinically validated by our laboratory. This tool's pathogenic prediction is estimated to be correct 94% of the time (Jordan 2011). Although the available data suggest that this va riant may be pathogenic, additional studies are needed to fully assess its clini cal significance.

NM_000257.4(MYH7):c.293A>T (p.Glu98Val)

Gene: MYH7 (myosin heavy chain 7; minus strand). Cytogenetic location: 14q11.2.
Variant type: single nucleotide variant.
Coding change: c.293A>T on transcript NM_000257.4 (MANE Select); coding-DNA position 293, A replaced by T.
Protein change: p.Glu98Val; replaces glutamic acid 98 with valine.
Molecular consequence: missense variant.
Genome position (GRCh38, 1-based): chr14:23,433,136, T>A on the plus strand (A>T on the coding strand, the complement: MYH7 is on the minus strand). VCF-style: chr14-23433136-T-A. GRCh37 (hg19) VCF-style: chr14-23902345-T-A.
Other names: short protein forms E98V.
Identifiers: ClinVar variation 164403 (VCV000164403.4), dbSNP rs727503279, ClinGen allele CA013219.
Genomic context (GRCh38, chr14:23,433,136, plus strand): 5'-GCACTCACGTAGATCATCCAGGAGCCGTAGCGATCCTTGAGGTTGTAGAGCACCGCGGGC[T>A]CATGCAGGAAGGTCAGCATGGCCATGTCCTCGATTTTGTCGAACTTGGGTGGGTTCTGCT-3'
Protein context (NP_000248.2, residues 88-108): EDMAMLTFLH[Glu98Val]PAVLYNLKDR